The following is an entry in ClinVar:

ClinVar aggregate classification (germline): Uncertain significance (1 of 4 stars; one submission).

Conditions:
Intellectual developmental disorder, autosomal dominant 50, with behavioral abnormalities. Also called: MENTAL RETARDATION, AUTOSOMAL DOMINANT 50; Intellectual disability, autosomal dominant 50. Identifiers: MedGen C4540470, MONDO:0030916, OMIM 617787.

Submission:

Institute of Human Genetics, University of Leipzig Medical Center
Classification: Uncertain significance for Intellectual developmental disorder, autosomal dominant 50, with behavioral abnormalities. Last evaluated: 2025-03-24. Review status: criteria provided, single submitter. Criteria: ACMG Guidelines, 2015. Collection method: clinical testing. Allele origin: unknown. Inheritance: Autosomal dominant inheritance. Affected: yes.
Comment: Criteria applied: PVS1_MOD,PM2

NM_057175.5(NAA15):c.29_30delinsC (p.Glu10fs)

Genes: NAA15 (N-alpha-acetyltransferase 15, NatA auxiliary subunit; plus strand), NDUFC1 (NADH:ubiquinone oxidoreductase subunit C1; minus strand). Cytogenetic location: 4q31.1.
Variant type: Indel.
Coding change: c.29_30delinsC on transcript NM_057175.5 (MANE Select); coding-DNA positions 29 to 30, AG replaced by C.
Protein change: p.Glu10fs; shifts the reading frame from glutamic acid 10.
Molecular consequence: frameshift variant. On other transcripts: intron variant (4).
Genome position (GRCh38, 1-based): chr4:139,301,806-139,301,807, AG replaced by C. VCF-style: chr4-139301806-AG-C. GRCh37 (hg19) VCF-style: chr4-140222960-AG-C.
Other names: c.29_30delinsC, p.Glu10fs (NM_001410842.1); c.-159+609_-159+610delinsG (NM_001184990.1); c.-163+609_-163+610delinsG (NM_001184987.1); c.-199+609_-199+610delinsG (NM_001184988.1); c.-222+609_-222+610delinsG (NM_001184989.2); short protein forms E10fs.
Identifiers: ClinVar variation 3778707 (VCV003778707.1).